The following is an entry in ClinVar:

ClinVar aggregate classification (germline): Conflicting classifications of pathogenicity. Review status: criteria provided, conflicting classifications (1 of 4 stars). 2 submissions from 2 submitters: Uncertain significance (1); Likely benign (1). Last evaluated 2025-09-16.

Conditions:
Hereditary cancer-predisposing syndrome. Also called: Neoplastic Syndromes, Hereditary; Hereditary neoplastic syndrome; Hereditary Cancer Syndrome; Tumor predisposition. Identifiers: Orphanet 140162, MedGen C0027672, MeSH D009386, MONDO:0015356.
Neuroblastoma, susceptibility to, 3. Also called: ALK-Related Neuroblastic Tumor Susceptibility. Identifiers: Orphanet 635, MedGen C2751681, MONDO:0013083, OMIM 613014.

Submissions (2):

Ambry Genetics
Classification: Likely benign for Hereditary cancer-predisposing syndrome. Last evaluated: 2025-09-16. Review status: criteria provided, single submitter. Criteria: Ambry Variant Classification Scheme 2023. Collection method: clinical testing. Allele origin: germline.

Labcorp Genetics (formerly Invitae), Labcorp
Classification: Uncertain significance for Neuroblastoma, susceptibility to, 3. Last evaluated: 2024-01-16. Review status: criteria provided, single submitter. Criteria: Invitae Variant Classification Sherloc (09022015). Collection method: clinical testing. Allele origin: germline.
Comment: This sequence change replaces glutamine, which is neutral and polar, with histidine, which is basic and polar, at codon 500 of the ALK protein (p.Gln500His). This variant is present in population databases (rs2293564, gnomAD 0.0009%). This variant has not been reported in the literature in individuals affected with ALK-related conditions. ClinVar contains an entry for this variant (Variation ID: 943183). An algorithm developed to predict the effect of missense changes on protein structure and function (PolyPhen-2) suggests that this variant is likely to be tolerated. In summary, the available evidence is currently insufficient to determine the role of this variant in disease. Therefore, it has been classified as a Variant of Uncertain Significance.

NM_004304.5(ALK):c.1500A>C (p.Gln500His)

Gene: ALK (ALK receptor tyrosine kinase; minus strand). Cytogenetic location: 2p23.2.
Variant type: single nucleotide variant.
Coding change: c.1500A>C on transcript NM_004304.5 (MANE Select); coding-DNA position 1500, A replaced by C.
Protein change: p.Gln500His; replaces glutamine 500 with histidine.
Molecular consequence: missense variant.
Genome position (GRCh38, 1-based): chr2:29,320,797, T>G on the plus strand (A>C on the coding strand, the complement: ALK is on the minus strand). VCF-style: chr2-29320797-T-G. GRCh37 (hg19) VCF-style: chr2-29543663-T-G.
Other names: short protein forms Q500H.
Identifiers: ClinVar variation 943183 (VCV000943183.8), dbSNP rs2293564, ClinGen allele CA1594638.
Genomic context (GRCh38, chr2:29,320,797, plus strand): 5'-GAGAGCAGTAGTACCTTGGTGGTCCTGGAACCGGGCATCCTTTAGGGTCCTGACCTGCCA[T>G]TGAGGAGTGTGGGGTGACAGTGTGCCTTGGGTCCAGCCACAGAAGCCATCTTCAAAGTTG-3'
Protein context (NP_004295.2, residues 490-510): TQGTLSPHTP[Gln500His]WQVRTLKDAR